The following is an entry in ClinVar:

ClinVar aggregate classification (germline): Uncertain significance (1 of 4 stars; one submission).

Conditions:
Intellectual developmental disorder, autosomal dominant 1. Also called: MBD5 Haploinsufficiency; Intellectual disability, autosomal dominant 1. Identifiers: Orphanet 228402, MedGen C1969562, MONDO:0007974, OMIM 156200.

Submission:

Labcorp Genetics (formerly Invitae), Labcorp
Classification: Uncertain significance for Intellectual developmental disorder, autosomal dominant 1. Last evaluated: 2023-04-26. Review status: criteria provided, single submitter. Criteria: Invitae Variant Classification Sherloc (09022015). Collection method: clinical testing. Allele origin: germline.
Comment: In summary, the available evidence is currently insufficient to determine the role of this variant in disease. Therefore, it has been classified as a Variant of Uncertain Significance. Experimental studies and prediction algorithms are not available or were not evaluated, and the functional significance of this variant is currently unknown. This variant has not been reported in the literature in individuals affected with MBD5-related conditions. This variant is not present in population databases (gnomAD no frequency). This sequence change replaces asparagine, which is neutral and polar, with histidine, which is basic and polar, at codon 1169 of the MBD5 protein (p.Asn1169His).

NM_001378120.1(MBD5):c.4204A>C (p.Asn1402His)

Gene: MBD5 (methyl-CpG binding domain protein 5; plus strand). Cytogenetic location: 2q23.1.
Variant type: single nucleotide variant.
Coding change: c.4204A>C on transcript NM_001378120.1 (MANE Select); coding-DNA position 4204, A replaced by C.
Protein change: p.Asn1402His; replaces asparagine 1402 with histidine.
Molecular consequence: missense variant.
Genome position (GRCh38, 1-based): chr2:148,489,836, A>C. VCF-style: chr2-148489836-A-C. GRCh37 (hg19) VCF-style: chr2-149247405-A-C.
Other names: c.3505A>C, p.Asn1169His (NM_018328.5); short protein forms N1402H, N1169H.
Identifiers: ClinVar variation 2819702 (VCV002819702.3), dbSNP rs2470024033, ClinGen allele CA348728230.
Genomic context (GRCh38, chr2:148,489,836, plus strand): 5'-ATGGGAGGTGTTGATCATGATGGTAGGCTGAGGAATTCAAGAGGGGCTCGGCTGCCCAAG[A>C]ATCTAGACCATGGGAAAAATGTGAACGAAGGAGATGGGTTTGAATATTTCAAGTCAGCAA-3'
Protein context (NP_001365049.1, residues 1392-1412): RNSRGARLPK[Asn1402His]LDHGKNVNEG